The following is an entry in ClinVar:

NM_000143.4(FH):c.514A>G (p.Lys172Glu)

Gene: FH (fumarate hydratase; minus strand). Cytogenetic location: 1q43.
Variant type: single nucleotide variant.
Coding change: c.514A>G on transcript NM_000143.4 (MANE Select); coding-DNA position 514, A replaced by G.
Protein change: p.Lys172Glu; replaces lysine 172 with glutamic acid.
Molecular consequence: missense variant.
Genome position (GRCh38, 1-based): chr1:241,512,008, T>C on the plus strand (A>G on the coding strand, the complement: FH is on the minus strand). VCF-style: chr1-241512008-T-C. GRCh37 (hg19) VCF-style: chr1-241675308-T-C.
Other names: short protein forms K172E.
Identifiers: ClinVar variation 460360 (VCV000460360.17), dbSNP rs201154463, ClinGen allele CA40331857.

ClinVar aggregate classification (germline): Conflicting classifications of pathogenicity. Review status: criteria provided, conflicting classifications (1 of 4 stars). 4 submissions from 4 submitters: Likely pathogenic (1); Uncertain significance (2). 1 of the submissions does not count toward it. Last evaluated 2025-12-05.

Conditions:
Hereditary cancer-predisposing syndrome. Also called: Hereditary neoplastic syndrome; Neoplastic Syndromes, Hereditary; Tumor predisposition; Hereditary Cancer Syndrome. Identifiers: Orphanet 140162, MedGen C0027672, MeSH D009386, MONDO:0015356.
Fumarase deficiency (FMRD). Also called: Fumaric aciduria; Fumarate Hydratase Deficiency. Identifiers: Orphanet 24, MedGen C0342770, MONDO:0011730, OMIM 606812.

Allele frequency attached by ClinVar (database versions not stated): gnomAD exomes below 0.00001; TOPMed below 0.00001; gnomAD 0.00001.
gnomAD v4.1: 4 of 1,613,928 alleles (0.00025%); highest among the groups gnomAD compares: African/African-American, 0.0013%; no homozygotes.

Submissions (4):

Labcorp Genetics (formerly Invitae), Labcorp
Classification: Likely pathogenic. Last evaluated: 2025-12-05. Review status: criteria provided, single submitter. Criteria: Invitae Variant Classification Sherloc (09022015). Collection method: clinical testing. Allele origin: germline.
Comment: This sequence change replaces lysine, which is basic and polar, with glutamic acid, which is acidic and polar, at codon 172 of the FH protein (p.Lys172Glu). This variant is present in population databases (rs201154463, gnomAD 0.01%). This missense change has been observed in individual(s) with clinical features of fumarate deficiency (internal data). ClinVar contains an entry for this variant (Variation ID: 460360). Invitae Evidence Modeling of protein sequence and biophysical properties (such as structural, functional, and spatial information, amino acid conservation, physicochemical variation, residue mobility, and thermodynamic stability) indicates that this missense variant is expected to disrupt FH protein function with a positive predictive value of 95%. In summary, the currently available evidence indicates that the variant is pathogenic, but additional data are needed to prove that conclusively. Therefore, this variant has been classified as Likely Pathogenic.

Ambry Genetics
Classification: Uncertain significance for Hereditary cancer-predisposing syndrome. Last evaluated: 2024-12-05. Review status: criteria provided, single submitter. Criteria: Ambry Variant Classification Scheme 2023. Collection method: clinical testing. Allele origin: germline.
Comment: The p.K172E variant (also known as c.514A>G), located in coding exon 4 of the FH gene, results from an A to G substitution at nucleotide position 514. The lysine at codon 172 is replaced by glutamic acid, an amino acid with similar properties. This amino acid position is highly conserved in available vertebrate species. In addition, this alteration is predicted to be deleterious by in silico analysis. Based on the available evidence, the clinical significance of this variant remains unclear.

Baylor Genetics
Classification: Uncertain significance for Fumarase deficiency. Last evaluated: 2023-09-18. Review status: criteria provided, single submitter. Criteria: ACMG Guidelines, 2015. Collection method: clinical testing. Allele origin: unknown.

Natera, Inc.
Classification: Uncertain significance for Fumarase Deficiency. Last evaluated: 2021-10-15. Review status: no assertion criteria provided. Collection method: clinical testing. Allele origin: germline. Not counted in ClinVar's aggregate classification.